The following is an entry in ClinVar:

NM_000321.3(RB1):c.1742G>A (p.Gly581Glu)

Gene: RB1 (RB transcriptional corepressor 1; plus strand). Cytogenetic location: 13q14.2.
Variant type: single nucleotide variant.
Coding change: c.1742G>A on transcript NM_000321.3 (MANE Select); coding-DNA position 1742, G replaced by A.
Protein change: p.Gly581Glu; replaces glycine 581 with glutamic acid.
Molecular consequence: missense variant.
Genome position (GRCh38, 1-based): chr13:48,453,039, G>A. VCF-style: chr13-48453039-G-A. GRCh37 (hg19) VCF-style: chr13-49027175-G-A.
Other names: c.1742G>A, p.Gly581Glu (NM_001407165.1); short protein forms G581E.
Identifiers: ClinVar variation 5027967 (VCV005027967.1).

ClinVar aggregate classification (germline): Uncertain significance (1 of 4 stars; one submission).

Conditions:
Hereditary cancer-predisposing syndrome. Also called: Neoplastic Syndromes, Hereditary; Tumor predisposition; Hereditary neoplastic syndrome; Hereditary Cancer Syndrome. Identifiers: Orphanet 140162, MedGen C0027672, MeSH D009386, MONDO:0015356.

gnomAD v4.1: 1 of 1,613,126 alleles (0.000062%); highest among the groups gnomAD compares: Non-Finnish European, 0.000085%; no homozygotes.

Submission:

Ambry Genetics
Classification: Uncertain significance for Hereditary cancer-predisposing syndrome. Last evaluated: 2026-07-19. Review status: criteria provided, single submitter. Criteria: Ambry Variant Classification Scheme 2023. Collection method: clinical testing. Allele origin: germline.
Comment: The p.G581E variant (also known as c.1742G>A), located in coding exon 18 of the RB1 gene, results from a G to A substitution at nucleotide position 1742. The glycine at codon 581 is replaced by glutamic acid, an amino acid with similar properties. This amino acid position is conserved. In addition, the in silico prediction for this alteration is inconclusive. Based on the available evidence, the clinical significance of this variant remains unclear.